The following is an entry in ClinVar:

NM_032043.3(BRIP1):c.2893A>C (p.Arg965=)

Gene: BRIP1 (BRCA1 interacting DNA helicase 1; minus strand). Cytogenetic location: 17q23.2.
Variant type: single nucleotide variant.
Coding change: c.2893A>C on transcript NM_032043.3 (MANE Select); coding-DNA position 2893, A replaced by C.
Protein change: p.Arg965=; no amino-acid change (arginine 965 retained).
Molecular consequence: synonymous variant.
Genome position (GRCh38, 1-based): chr17:61,685,848, T>G on the plus strand (A>C on the coding strand, the complement: BRIP1 is on the minus strand). VCF-style: chr17-61685848-T-G. GRCh37 (hg19) VCF-style: chr17-59763209-T-G.
Identifiers: ClinVar variation 183819 (VCV000183819.20), dbSNP rs113697814, ClinGen allele CA186604.

ClinVar aggregate classification (germline): Conflicting classifications of pathogenicity. Review status: criteria provided, conflicting classifications (1 of 4 stars). 6 submissions from 6 submitters: Uncertain significance (1); Benign (1); Likely benign (4). Last evaluated 2025-11-10.

Conditions:
Hereditary cancer-predisposing syndrome. Also called: Tumor predisposition; Hereditary Cancer Syndrome; Hereditary neoplastic syndrome; Neoplastic Syndromes, Hereditary. Identifiers: Orphanet 140162, MedGen C0027672, MeSH D009386, MONDO:0015356.
Familial cancer of breast. Also called: BREAST CANCER, FAMILIAL; hereditary breast carcinoma; Hereditary breast cancer. Identifiers: Orphanet 227535, MedGen C0346153, MONDO:0016419, OMIM 114480. Disease mechanism: loss of function.
Fanconi anemia complementation group J. Also called: BRIP1-Related Fanconi Anemia. Identifiers: Orphanet 84, MedGen C1836860, MONDO:0012187, OMIM 609054.

Allele frequency attached by ClinVar (database versions not stated): gnomAD exomes below 0.00001 and 0.00001; ExAC 0.00001; gnomAD 0.00001 and 0.00002; TOPMed 0.00002.
gnomAD v4.1: 6 of 1,609,832 alleles (0.00037%); highest among the groups gnomAD compares: African/African-American, 0.004%; no homozygotes.

Submissions (6):

Labcorp Genetics (formerly Invitae), Labcorp
Classification: Likely benign for Familial cancer of breast; Fanconi anemia complementation group J. Last evaluated: 2025-11-10. Review status: criteria provided, single submitter. Criteria: Invitae Variant Classification Sherloc (09022015). Collection method: clinical testing. Allele origin: germline.

Myriad Genetics, Inc.
Classification: Benign for Familial cancer of breast. Last evaluated: 2024-09-09. Review status: criteria provided, single submitter. Criteria: Myriad Autosomal Dominant, Autosomal Recessive and X-Linked Classification Criteria (2023). Collection method: clinical testing. Allele origin: unknown.
Comment: This variant is considered benign. This variant is a silent/synonymous amino acid change and it is not expected to impact splicing.

Sema4
Classification: Likely benign for Hereditary cancer-predisposing syndrome. Last evaluated: 2021-05-06. Review status: criteria provided, single submitter. Criteria: Sema4 Curation Guidelines. Collection method: curation. Allele origin: germline.

Women's Health and Genetics/Laboratory Corporation of America, LabCorp
Classification: Likely benign. Last evaluated: 2021-03-20. Review status: criteria provided, single submitter. Criteria: LabCorp Variant Classification Summary - May 2015. Collection method: clinical testing. Allele origin: germline.

GeneDx
Classification: Uncertain significance. Last evaluated: 2018-07-10. Review status: criteria provided, single submitter. Criteria: GeneDx Variant Classification (06012015). Collection method: clinical testing. Allele origin: germline. Affected: yes.
Comment: This variant is denoted BRIP1 c.2893A>C at the DNA level. This variant is silent at the coding level, preserving an Arginine at codon 965. This variant has not, to our knowledge, been published in the literature as a pathogenic or benign germline variant. In silico analyses, which include splice predictors and evolutionary conservation, are uninformative in their assessment as to whether or not the variant is damaging. BRIP1 c.2893A>C was not observed at a significant allele frequency in large population cohorts (Lek 2016). Based on currently available evidence, it is unclear whether BRIP1 c.2893A>C is a pathogenic or benign variant. We consider it to be a variant of uncertain significance.

Ambry Genetics
Classification: Likely benign for Hereditary cancer-predisposing syndrome. Last evaluated: 2016-04-15. Review status: criteria provided, single submitter. Criteria: Ambry Variant Classification Scheme 2023. Collection method: clinical testing. Allele origin: germline.